The following is an entry in ClinVar:

ClinVar aggregate classification (germline): Benign (1 of 4 stars; one submission).

Conditions:
Familial visceral amyloidosis, Ostertag type (AMYLD2). Also called: AMYLOIDOSIS VIII; Ostertag type amyloidosis; Familial visceral amyloidosis; Hereditary Renal Amyloidosis; Amyloidosis, hepatic and systemic; AMYLOIDOSIS, HEREDITARY SYSTEMIC 2. Identifiers: Orphanet 85450, MedGen C0268389, MONDO:0007099, OMIM 105200.

Allele frequency attached by ClinVar (database versions not stated): gnomAD exomes 0.00028; 1000 Genomes Project 0.00699; gnomAD 0.00718 and 0.00770; 1000 Genomes Project 30x 0.00734; TOPMed 0.00833.

Submission:

Illumina Laboratory Services, Illumina
Classification: Benign for Familial visceral amyloidosis, Ostertag type. Last evaluated: 2018-01-12. Review status: criteria provided, single submitter. Criteria: ICSL Variant Classification Criteria 13 December 2019. Collection method: clinical testing. Allele origin: germline.
Comment: This variant was observed in the ICSL laboratory as part of a predisposition screen in an ostensibly healthy population. It had not been previously curated by ICSL or reported in the Human Gene Mutation Database (HGMD: prior to June 1st, 2018), and was therefore a candidate for classification through an automated scoring system. Utilizing variant allele frequency, disease prevalence and penetrance estimates, and inheritance mode, an automated score was calculated to assess if this variant is too frequent to cause the disease. Based on the score and internal cut-off values, a variant classified as benign is not then subjected to further curation. The score for this variant resulted in a classification of benign for this disease.

NM_000239.3(LYZ):c.*461G>A

Gene: LYZ (lysozyme; plus strand). Cytogenetic location: 12q15.
Variant type: single nucleotide variant.
Coding change: c.*461G>A on transcript NM_000239.3 (MANE Select); 461 bases downstream of the stop codon, G replaced by A.
Molecular consequence: 3 prime UTR variant.
Genome position (GRCh38, 1-based): chr12:69,353,680, G>A. VCF-style: chr12-69353680-G-A. GRCh37 (hg19) VCF-style: chr12-69747460-G-A.
Identifiers: ClinVar variation 310347 (VCV000310347.5), dbSNP rs531233279, ClinGen allele CA10633509.